The following is an entry in ClinVar:

NM_004984.4(KIF5A):c.1352A>C (p.Asp451Ala)

Gene: KIF5A (kinesin family member 5A; plus strand). Cytogenetic location: 12q13.3.
Variant type: single nucleotide variant.
Coding change: c.1352A>C on transcript NM_004984.4 (MANE Select); coding-DNA position 1352, A replaced by C.
Protein change: p.Asp451Ala; replaces aspartic acid 451 with alanine.
Molecular consequence: missense variant.
Genome position (GRCh38, 1-based): chr12:57,571,379, A>C. VCF-style: chr12-57571379-A-C. GRCh37 (hg19) VCF-style: chr12-57965162-A-C.
Other names: c.1085A>C, p.Asp362Ala (NM_001354705.2); short protein forms D362A, D451A.
Identifiers: ClinVar variation 1312971 (VCV001312971.2), dbSNP rs2140164755, ClinGen allele CA385505060.

ClinVar aggregate classification (germline): Uncertain significance (1 of 4 stars; one submission).

Submission:

GeneDx
Classification: Uncertain significance. Last evaluated: 2020-07-29. Review status: criteria provided, single submitter. Criteria: GeneDx Variant Classification Process June 2021. Collection method: clinical testing. Allele origin: germline. Affected: yes.
Comment: Not observed in large population cohorts (Lek et al., 2016); In silico analysis supports that this missense variant has a deleterious effect on protein structure/function; Has not been previously published as pathogenic or benign to our knowledge